The following is an entry in ClinVar:

ClinVar aggregate classification (germline): Uncertain significance (1 of 4 stars; one submission).

Conditions:
Intellectual developmental disorder, autosomal dominant 71, with behavioral abnormalities (MRD71). Identifiers: MedGen C5830437, MONDO:0957228, OMIM 620330.

Submission:

3billion
Classification: Uncertain significance for Intellectual developmental disorder, autosomal dominant 71, with behavioral abnormalities. Last evaluated: 2024-12-09. Review status: criteria provided, single submitter. Criteria: ACMG Guidelines, 2015. Collection method: clinical testing. Allele origin: germline. Affected: yes.
Comment: The variant is not observed in the gnomAD v4.1.0 dataset. Predicted Consequence/Location: Missense variant In silico tools predict the variant to alter splicing and produce an abnormal transcript [SpliceAI: 0.97 (>=0.2, moderate evidence for spliceogenicity)]. Therefore, this variant is classified as VUS according to the recommendation of ACMG/AMP guideline.

NM_022841.7(RFX7):c.811G>C (p.Gly271Arg)

Gene: RFX7 (regulatory factor X7; minus strand). Cytogenetic location: 15q21.3.
Variant type: single nucleotide variant.
Coding change: c.811G>C on transcript NM_022841.7 (MANE Select); coding-DNA position 811, G replaced by C.
Protein change: p.Gly271Arg; replaces glycine 271 with arginine.
Molecular consequence: missense variant.
Genome position (GRCh38, 1-based): chr15:56,101,359, C>G on the plus strand (G>C on the coding strand, the complement: RFX7 is on the minus strand). VCF-style: chr15-56101359-C-G. GRCh37 (hg19) VCF-style: chr15-56393557-C-G.
Other names: c.520G>C, p.Gly174Arg (NM_001368073.2, NM_001368074.1, NM_001370554.1); c.811G>C, p.Gly271Arg (NM_001370561.1); short protein forms G174R, G271R.
Identifiers: ClinVar variation 4292122 (VCV004292122.1).